The following is an entry in ClinVar:

ClinVar aggregate classification (germline): Uncertain significance (1 of 4 stars; one submission).

Conditions:
Inborn genetic diseases. Identifiers: MedGen C0950123, MeSH D030342.

Submission:

Ambry Genetics
Classification: Uncertain significance for Inborn genetic diseases. Last evaluated: 2025-02-10. Review status: criteria provided, single submitter. Criteria: Ambry Variant Classification Scheme 2023. Collection method: clinical testing. Allele origin: germline.
Comment: The p.C664F variant (also known as c.1991G>T), located in coding exon 1 of the SAMD9L gene, results from a G to T substitution at nucleotide position 1991. The cysteine at codon 664 is replaced by phenylalanine, an amino acid with highly dissimilar properties. This amino acid position is conserved. In addition, the in silico prediction for this alteration is inconclusive. Based on the available evidence, the clinical significance of this variant remains unclear.

NM_152703.5(SAMD9L):c.1991G>T (p.Cys664Phe)

Gene: SAMD9L (sterile alpha motif domain containing 9 like; minus strand). Cytogenetic location: 7q21.2.
Variant type: single nucleotide variant.
Coding change: c.1991G>T on transcript NM_152703.5 (MANE Select); coding-DNA position 1991, G replaced by T.
Protein change: p.Cys664Phe; replaces cysteine 664 with phenylalanine.
Molecular consequence: missense variant.
Genome position (GRCh38, 1-based): chr7:93,133,981, C>A on the plus strand (G>T on the coding strand, the complement: SAMD9L is on the minus strand). VCF-style: chr7-93133981-C-A. GRCh37 (hg19) VCF-style: chr7-92763294-C-A.
Other names: c.1991G>T, p.Cys664Phe (NM_001303496.3, NM_001303497.3, NM_001303498.3 and 5 more transcripts); short protein forms C664F.
Identifiers: ClinVar variation 3792409 (VCV003792409.1).